The following is an entry in ClinVar:

NM_000122.2(ERCC3):c.877G>A (p.Ala293Thr)

Gene: ERCC3 (ERCC excision repair 3, TFIIH core complex helicase subunit; minus strand). Cytogenetic location: 2q14.3.
Variant type: single nucleotide variant.
Coding change: c.877G>A on transcript NM_000122.2 (MANE Select); coding-DNA position 877, G replaced by A.
Protein change: p.Ala293Thr; replaces alanine 293 with threonine.
Molecular consequence: missense variant.
Genome position (GRCh38, 1-based): chr2:127,288,810, C>T on the plus strand (G>A on the coding strand, the complement: ERCC3 is on the minus strand). VCF-style: chr2-127288810-C-T. GRCh37 (hg19) VCF-style: chr2-128046386-C-T.
Other names: c.685G>A, p.Ala229Thr (NM_001303416.2, NM_001303418.2); short protein forms A229T, A293T.
Identifiers: ClinVar variation 1358289 (VCV001358289.3), dbSNP rs142304812, ClinGen allele CA1858416.

ClinVar aggregate classification (germline): Uncertain significance (1 of 4 stars; one submission).

Allele frequency attached by ClinVar (database versions not stated): gnomAD 0.00001; ESP Exome Variant Server 0.00008; TOPMed 0.00001.

Submission:

Labcorp Genetics (formerly Invitae), Labcorp
Classification: Uncertain significance. Last evaluated: 2021-08-07. Review status: criteria provided, single submitter. Criteria: Invitae Variant Classification Sherloc (09022015). Collection method: clinical testing. Allele origin: germline.
Comment: This sequence change replaces alanine with threonine at codon 293 of the ERCC3 protein (p.Ala293Thr). The alanine residue is highly conserved and there is a small physicochemical difference between alanine and threonine. This variant is present in population databases (rs142304812, ExAC 0.001%). This variant has not been reported in the literature in individuals affected with ERCC3-related conditions. Algorithms developed to predict the effect of missense changes on protein structure and function are either unavailable or do not agree on the potential impact of this missense change (SIFT: "Deleterious"; PolyPhen-2: "Benign"; Align-GVGD: "Class C0"). In summary, the available evidence is currently insufficient to determine the role of this variant in disease. Therefore, it has been classified as a Variant of Uncertain Significance.